The following is an entry in ClinVar:

NM_001110556.2(FLNA):c.1799A>G (p.Glu600Gly)

Gene: FLNA (filamin A; minus strand). Cytogenetic location: Xq28.
Variant type: single nucleotide variant.
Coding change: c.1799A>G on transcript NM_001110556.2 (MANE Select); coding-DNA position 1799, A replaced by G.
Protein change: p.Glu600Gly; replaces glutamic acid 600 with glycine.
Molecular consequence: missense variant.
Genome position (GRCh38, 1-based): chrX:154,364,850, T>C on the plus strand (A>G on the coding strand, the complement: FLNA is on the minus strand). VCF-style: chrX-154364850-T-C. GRCh37 (hg19) VCF-style: chrX-153593218-T-C.
Other names: c.1799A>G, p.Glu600Gly (NM_001456.4); short protein forms E600G.
Identifiers: ClinVar variation 654194 (VCV000654194.10), dbSNP rs1603362451, ClinGen allele CA415242349.

ClinVar aggregate classification (germline): Uncertain significance. Review status: criteria provided, multiple submitters, no conflicts (2 of 4 stars). 3 submissions from 3 submitters: Uncertain significance (3). Last evaluated 2025-07-25.

Conditions:
Melnick-Needles syndrome (MNS). Also called: MELNICK-NEEDLES OSTEODYSPLASTY; Melnick-Needles Syndrome (FLNA-MNS); OSTEODYSPLASTY OF MELNICK AND NEEDLES. Identifiers: Orphanet 2484, MedGen C0025237, MONDO:0010650, OMIM 309350.
Frontometaphyseal dysplasia (FMD1). Identifiers: Orphanet 1826, MedGen C0265293, MONDO:0015942.
Heterotopia, periventricular, X-linked dominant (PVNH1). Also called: X-linked periventricular heterotopia; PERIVENTRICULAR NODULAR HETEROTOPIA 4; HETEROTOPIA, PERIVENTRICULAR, 1; PERIVENTRICULAR NODULAR HETEROTOPIA 1. Identifiers: Orphanet 2149, Orphanet 82004, MedGen C1848213, MONDO:0010233, OMIM 300049.
Oto-palato-digital syndrome, type II (OPD2). Also called: FACIOPALATOOSSEOUS SYNDROME; Otopalatodigital Syndrome, Type II; Otopalatodigital Syndrome Type 2 (FLNA-OPD2); OPD II SYNDROME. Identifiers: Orphanet 669, Orphanet 90652, MedGen C1844696, MONDO:0010571, OMIM 304120.
Familial thoracic aortic aneurysm and aortic dissection (TAAD). Also called: Thoracic aortic aneurysms and dissections. Identifiers: Orphanet 91387, MedGen C4707243, MONDO:0019625.

Allele frequency attached by ClinVar (database versions not stated): TOPMed 0.00001.

Submissions (6):

Labcorp Genetics (formerly Invitae), Labcorp
Classification: Uncertain significance for Oto-palato-digital syndrome, type II; Heterotopia, periventricular, X-linked dominant; Frontometaphyseal dysplasia; Melnick-Needles syndrome. Last evaluated: 2025-07-25. Review status: criteria provided, single submitter. Criteria: Invitae Variant Classification Sherloc (09022015). Collection method: clinical testing. Allele origin: germline.
Comment: This sequence change replaces glutamic acid, which is acidic and polar, with glycine, which is neutral and non-polar, at codon 600 of the FLNA protein (p.Glu600Gly). This variant is not present in population databases (gnomAD no frequency). This variant has not been reported in the literature in individuals affected with FLNA-related conditions. ClinVar contains an entry for this variant (Variation ID: 654194). Invitae Evidence Modeling of protein sequence and biophysical properties (such as structural, functional, and spatial information, amino acid conservation, physicochemical variation, residue mobility, and thermodynamic stability) has been performed for this missense variant. However, the output from this modeling did not meet the statistical confidence thresholds required to predict the impact of this variant on FLNA protein function. Algorithms developed to predict the effect of sequence changes on RNA splicing suggest that this variant may disrupt the consensus splice site. In summary, the available evidence is currently insufficient to determine the role of this variant in disease. Therefore, it has been classified as a Variant of Uncertain Significance.

Blueprint Genetics
Classification: Uncertain significance. Last evaluated: 2024-04-19. Review status: criteria provided, single submitter. Criteria: ACMG Guidelines, 2015. Collection method: clinical testing. Allele origin: germline.

Ambry Genetics
Classification: Uncertain significance for Familial thoracic aortic aneurysm and aortic dissection. Last evaluated: 2018-11-28. Review status: criteria provided, single submitter. Criteria: Ambry Variant Classification Scheme 2023. Collection method: clinical testing. Allele origin: germline.
Comment: The p.E600G variant (also known as c.1799A>G), located in coding exon 11 of the FLNA gene, results from an A to G substitution at nucleotide position 1799. The glutamic acid at codon 600 is replaced by glycine, an amino acid with similar properties. This amino acid position is highly conserved in available vertebrate species. In addition, this alteration is predicted to be deleterious by in silico analysis. Since supporting evidence is limited at this time, the clinical significance of this alteration remains unclear.

Dr. Peter K. Rogan Lab, Western University
No classification provided (evidence only). Condition: Thyroid cancer, nonmedullary, 1. Review status: no classification provided. Collection method: in vitro. Allele origin: not applicable. Functional consequence: retained intron. Not counted in ClinVar's aggregate classification.

Dr. Peter K. Rogan Lab, Western University
No classification provided (evidence only). Condition: Nonpapillary renal cell carcinoma. Review status: no classification provided. Collection method: in vitro. Allele origin: not applicable. Functional consequence: retained intron. Not counted in ClinVar's aggregate classification.

Dr. Peter K. Rogan Lab, Western University
No classification provided (evidence only). Condition: Nonpapillary renal cell carcinoma. Review status: no classification provided. Collection method: in vitro. Allele origin: not applicable. Functional consequence: retained intron. Not counted in ClinVar's aggregate classification.